The following is an entry in ClinVar:

NM_001244710.2(GFPT1):c.137A>G (p.Asn46Ser)

Gene: GFPT1 (glutamine--fructose-6-phosphate transaminase 1; minus strand). Cytogenetic location: 2p13.3.
Variant type: single nucleotide variant.
Coding change: c.137A>G on transcript NM_001244710.2 (MANE Select); coding-DNA position 137, A replaced by G.
Protein change: p.Asn46Ser; replaces asparagine 46 with serine.
Molecular consequence: missense variant.
Genome position (GRCh38, 1-based): chr2:69,370,087, T>C on the plus strand (A>G on the coding strand, the complement: GFPT1 is on the minus strand). VCF-style: chr2-69370087-T-C. GRCh37 (hg19) VCF-style: chr2-69597219-T-C.
Other names: p.Asn46Ser; c.137A>G, p.Asn46Ser (NM_002056.4); c.137A>G (NM_002056.3); short protein forms N46S.
Identifiers: ClinVar variation 2162308 (VCV002162308.7), dbSNP rs567402654, ClinGen allele CA1693963.
Genomic context (GRCh38, chr2:69,370,087, plus strand): 5'-ACTTTTCCTTTCTTCTTAATAAGCTGGATTTTGCAGGCATTGGCTTCCCAATCTTTATCA[T>C]TGCCTCCATCAAATCCCACACCTAAACCATCATGAGGTAAAAAAGCAAAATTTAGAAACT-3'
Protein context (NP_001231639.1, residues 36-56): DSAGVGFDGG[Asn46Ser]DKDWEANACK

ClinVar aggregate classification (germline): Uncertain significance. Review status: criteria provided, multiple submitters, no conflicts (2 of 4 stars). 3 submissions from 3 submitters: Uncertain significance (3). Last evaluated 2025-08-07.

Conditions:
Congenital myasthenic syndrome 12 (CMS12). Also called: MYASTHENIC SYNDROME, CONGENITAL, WITH TUBULAR AGGREGATES 1; Myasthenia, congenital, 12, with tubular aggregates. Identifiers: Orphanet 353327, Orphanet 590, MedGen C3552335, MONDO:0012518, OMIM 610542.
Inborn genetic diseases. Identifiers: MedGen C0950123, MeSH D030342.

Allele frequency attached by ClinVar (database versions not stated): ExAC 0.00001; gnomAD 0.00001; 1000 Genomes Project 30x 0.00016; 1000 Genomes Project 0.00020.
gnomAD v4.1: 3 of 1,609,062 alleles (0.00019%); highest among the groups gnomAD compares: African/African-American, 0.0013%; no homozygotes.

Submissions (3):

Mayo Clinic Laboratories, Mayo Clinic
Classification: Uncertain significance. Last evaluated: 2025-08-07. Review status: criteria provided, single submitter. Criteria: ACMG Guidelines, 2015. Collection method: clinical testing. Allele origin: germline. Observed: 1 variant allele.
Comment: BP4, PM2_supporting

Ambry Genetics
Classification: Uncertain significance for Inborn genetic diseases. Last evaluated: 2023-04-11. Review status: criteria provided, single submitter. Criteria: Ambry Variant Classification Scheme 2023. Collection method: clinical testing. Allele origin: germline.

Labcorp Genetics (formerly Invitae), Labcorp
Classification: Uncertain significance for Congenital myasthenic syndrome 12. Last evaluated: 2022-01-11. Review status: criteria provided, single submitter. Criteria: Invitae Variant Classification Sherloc (09022015). Collection method: clinical testing. Allele origin: germline.
Comment: This sequence change replaces asparagine, which is neutral and polar, with serine, which is neutral and polar, at codon 46 of the GFPT1 protein (p.Asn46Ser). This variant is not present in population databases (gnomAD no frequency). This variant has not been reported in the literature in individuals affected with GFPT1-related conditions. Algorithms developed to predict the effect of missense changes on protein structure and function are either unavailable or do not agree on the potential impact of this missense change (SIFT: "Deleterious"; PolyPhen-2: "Benign"; Align-GVGD: "Class C0"). In summary, the available evidence is currently insufficient to determine the role of this variant in disease. Therefore, it has been classified as a Variant of Uncertain Significance.